The following is an entry in ClinVar:

NM_001099289.3(SH3RF3):c.716C>T (p.Thr239Ile)

Genes: RANBP2 (RAN binding protein 2; plus strand), SH3RF3 (SH3 domain containing ring finger 3; plus strand). Cytogenetic location: 2q13.
Variant type: single nucleotide variant.
Coding change: c.716C>T on transcript NM_001099289.3 (MANE Select); coding-DNA position 716, C replaced by T.
Protein change: p.Thr239Ile; replaces threonine 239 with isoleucine.
Molecular consequence: missense variant.
Genome position (GRCh38, 1-based): chr2:109,347,816, C>T. VCF-style: chr2-109347816-C-T. GRCh37 (hg19) VCF-style: chr2-109964272-C-T.
Other names: short protein forms T239I.
Identifiers: ClinVar variation 3441130 (VCV003441130.1).

ClinVar aggregate classification (germline): Uncertain significance (1 of 4 stars; one submission).

gnomAD v4.1: 24 of 1,613,896 alleles (0.0015%); highest among the groups gnomAD compares: Non-Finnish European, 0.002%; no homozygotes.

Submission:

Ambry Genetics
Classification: Uncertain significance. Last evaluated: 2024-11-26. Review status: criteria provided, single submitter. Criteria: Ambry Variant Classification Scheme 2023. Collection method: clinical testing. Allele origin: germline.
Comment: The c.716C>T (p.T239I) alteration is located in exon (coding exon ) of the SH3RF3 gene. This alteration results from a C to T substitution at nucleotide position 716, causing the threonine (T) at amino acid position 239 to be replaced by an isoleucine (I). Based on insufficient or conflicting evidence, the clinical significance of this alteration remains unclear.